The following is an entry in ClinVar:

NM_001267550.2(TTN):c.60621del (p.Asn20206_Tyr20207insTer)

Genes: TTN-AS1 (TTN antisense RNA 1; plus strand), TTN (titin; minus strand). Cytogenetic location: 2q31.2.
Variant type: Deletion.
Coding change: c.60621del on transcript NM_001267550.2 (MANE Select); coding-DNA position 60621, one base deleted (T; older notation c.60621delT).
Protein change: p.Asn20206_Tyr20207insTer.
Molecular consequence: nonsense.
Genome position (GRCh38, 1-based): chr2:178,591,104, A deleted on the plus strand (T on the coding strand, the reverse complement: TTN is on the minus strand). VCF-style (leftmost placement, unchanged base first): chr2-178591103-TA-T. GRCh37 (hg19) VCF-style: chr2-179455830-TA-T.
Other names: c.55698del, p.Asn18565_Tyr18566insTer (NM_001256850.1); c.33426del, p.Asn11141_Tyr11142insTer (NM_003319.4); c.52917del, p.Asn17638_Tyr17639insTer (NM_133378.4); c.33801del, p.Asn11266_Tyr11267insTer (NM_133432.3); c.34002del, p.Asn11333_Tyr11334insTer (NM_133437.4); c.60621delT (NM_001267550.2).
Identifiers: ClinVar variation 404768 (VCV000404768.10), dbSNP rs1060500442, ClinGen allele CA16610432.

ClinVar aggregate classification (germline): Likely pathogenic. Review status: criteria provided, single submitter (1 of 4 stars). 2 submissions from 1 submitter: Likely pathogenic (2). Last evaluated 2016-11-24.

Conditions:
Dilated cardiomyopathy 1G (CMD1G). Identifiers: Orphanet 154, MedGen C1858763, MONDO:0011400, OMIM 604145.
Autosomal recessive limb-girdle muscular dystrophy type 2J (LGMDR10). Also called: Limb-girdle muscular dystrophy, type 2J; MUSCULAR DYSTROPHY, LIMB-GIRDLE, AUTOSOMAL RECESSIVE 10. Identifiers: Orphanet 140922, MedGen C1837342, MONDO:0012127, OMIM 608807.

Submissions (2):

Labcorp Genetics (formerly Invitae), Labcorp
Classification: Likely pathogenic for Dilated cardiomyopathy 1G. Last evaluated: 2016-11-24. Review status: criteria provided, single submitter. Criteria: Invitae Variant Classification Sherloc (09022015). Collection method: clinical testing. Allele origin: germline.
Comment: This sequence change deletes 1 nucleotide from exon 304 of the TTN mRNA (c.60621delT), causing a frameshift at codon 20207. This creates a premature translational stop signal at codon 20207 of the TTN mRNA (p.Tyr20207*). While this is not anticipated to result in nonsense mediated decay, it is expected to disrupt the A-band of the TTN protein. This variant is found in the A-band of this gene. While this particular variant has not been reported in the literature, truncating variants in the A-band of TTN are significantly overrepresented in patients with dilated cardiomyopathy and are considered to be likely pathogenic for the disease (PMID: 25589632). For these reasons, this variant has been classified as Likely Pathogenic.

Labcorp Genetics (formerly Invitae), Labcorp
Classification: Likely pathogenic for Dilated cardiomyopathy 1G; Autosomal recessive limb-girdle muscular dystrophy type 2J. Last evaluated: 2016-11-24. Review status: criteria provided, single submitter. Criteria: Invitae Variant Classification Sherloc (09022015). Collection method: clinical testing. Allele origin: germline.
Comment: the same text as in the submission from Labcorp Genetics (formerly Invitae), Labcorp above.

Literature cited by the submitters: PubMed 25589632.